The following is an entry in ClinVar:

ClinVar aggregate classification (germline): Pathogenic (1 of 4 stars; one submission).

Conditions:
Hereditary breast ovarian cancer syndrome. Also called: Hereditary breast and/or ovarian cancer syndrome; Hereditary breast and ovarian cancer; BRCA1- and BRCA2-Associated Hereditary Breast and Ovarian Cancer; Hereditary breast and ovarian cancer syndrome; Hereditary breast and ovarian cancer syndrome (HBOC); Breast and ovarian cancer. Identifiers: Orphanet 145, MedGen C0677776, MeSH D061325, MONDO:0003582. Disease mechanism: loss of function.

Submission:

Women's Health and Genetics/Laboratory Corporation of America, LabCorp
Classification: Pathogenic for Hereditary breast ovarian cancer syndrome. Last evaluated: 2025-01-13. Review status: criteria provided, single submitter. Criteria: LabCorp Variant Classification Summary - May 2015. Collection method: clinical testing. Allele origin: germline.
Comment: Variant summary: BRCA1 c.1416dupC (p.Asn473GlnfsX7) results in a premature termination codon, predicted to cause a truncation of the encoded protein or absence of the protein due to nonsense mediated decay, which are commonly known mechanisms for disease. The variant was absent in 251246 control chromosomes. To our knowledge, no occurrence of c.1416dupC in individuals affected with Hereditary Breast And Ovarian Cancer Syndrome and no experimental evidence demonstrating its impact on protein function have been reported. No submitters have cited clinical-significance assessments for this variant to ClinVar. Based on the evidence outlined above, the variant was classified as pathogenic.

NM_007294.4(BRCA1):c.1416dup (p.Asn473fs)

Gene: BRCA1 (BRCA1 DNA repair associated; minus strand). Cytogenetic location: 17q21.31.
Variant type: Duplication.
Coding change: c.1416dup on transcript NM_007294.4 (MANE Select); coding-DNA position 1416, one base duplicated (C; older notation c.1416dupC).
Protein change: p.Asn473fs; shifts the reading frame from asparagine 473.
Molecular consequence: frameshift variant. On other transcripts: intron variant (137).
Genome position (GRCh38, 1-based): chr17:43,094,115, G duplicated on the plus strand (C on the coding strand, the reverse complement: BRCA1 is on the minus strand); the first of 4 consecutive G bases (chr17:43,094,115-43,094,118); duplicating any one gives the same sequence. VCF-style (leftmost placement, unchanged base first): chr17-43094114-T-TG. GRCh37 (hg19) VCF-style: chr17-41246131-T-TG.
Other names: c.1416dupC (NM_007294.4); c.1203dup, p.Asn402fs (NM_001407571.1, NM_001407853.1, NM_001407894.1 and 9 more transcripts); c.1416dup, p.Asn473fs (NM_001407581.1, NM_001407582.1, NM_001407583.1 and 30 more transcripts); c.1413dup, p.Asn472fs (NM_001407587.1, NM_001407590.1, NM_001407591.1 and 22 more transcripts); c.1407dup, p.Asn470fs (NM_001407646.1, NM_001407647.1); c.1293dup, p.Asn432fs (NM_001407648.1, NM_001407664.1, NM_001407665.1 and 19 more transcripts); c.1290dup, p.Asn431fs (NM_001407649.1, NM_001407670.1, NM_001407671.1 and 11 more transcripts); c.1338dup, p.Asn447fs (NM_001407653.1, NM_001407654.1, NM_001407655.1 and 4 more transcripts); and 41 more; short protein forms N177fs, N305fs, N345fs, N346fs, N361fs, N362fs, N384fs, N385fs.
Identifiers: ClinVar variation 3769170 (VCV003769170.2).
Genomic context (GRCh38, chr17:43,094,114, plus strand): 5'-TTATCTGTGGCTCAGTAACAAATGCTCCTATAATTAGATTTTCAGTTACATGGCTTAAGT[T>TG]GGGGAGGCTTGCCTTCTTCCGATAGGTTTTCCCAAATATTTTGTCTTCAATATTACTCTC-3'